The following is an entry in ClinVar:

ClinVar aggregate classification (germline): Uncertain significance (1 of 4 stars; one submission).

Conditions:
Ullrich congenital muscular dystrophy 2 (UCMD2). Identifiers: Orphanet 75840, MedGen C4225314, MONDO:0014654, OMIM 616470.
Bethlem myopathy 2 (BTHLM2). Identifiers: Orphanet 536516, Orphanet 610, MedGen C4225313, MONDO:0034022, OMIM 616471.

Allele frequency attached by ClinVar (database versions not stated): gnomAD exomes below 0.00001.

Submission:

Labcorp Genetics (formerly Invitae), Labcorp
Classification: Uncertain significance for Bethlem myopathy 2; Ullrich congenital muscular dystrophy 2. Last evaluated: 2023-04-03. Review status: criteria provided, single submitter. Criteria: Invitae Variant Classification Sherloc (09022015). Collection method: clinical testing. Allele origin: germline.
Comment: This sequence change replaces serine, which is neutral and polar, with glycine, which is neutral and non-polar, at codon 381 of the COL12A1 protein (p.Ser381Gly). This variant is not present in population databases (gnomAD no frequency). This variant has not been reported in the literature in individuals affected with COL12A1-related conditions. Advanced modeling of protein sequence and biophysical properties (such as structural, functional, and spatial information, amino acid conservation, physicochemical variation, residue mobility, and thermodynamic stability) performed at Invitae indicates that this missense variant is not expected to disrupt COL12A1 protein function. In summary, the available evidence is currently insufficient to determine the role of this variant in disease. Therefore, it has been classified as a Variant of Uncertain Significance.

NM_004370.6(COL12A1):c.1141A>G (p.Ser381Gly)

Gene: COL12A1 (collagen type XII alpha 1 chain; minus strand). Cytogenetic location: 6q13.
Variant type: single nucleotide variant.
Coding change: c.1141A>G on transcript NM_004370.6 (MANE Select); coding-DNA position 1141, A replaced by G.
Protein change: p.Ser381Gly; replaces serine 381 with glycine.
Molecular consequence: missense variant. On other transcripts: intron variant (2).
Genome position (GRCh38, 1-based): chr6:75,184,001, T>C on the plus strand (A>G on the coding strand, the complement: COL12A1 is on the minus strand). VCF-style: chr6-75184001-T-C. GRCh37 (hg19) VCF-style: chr6-75893717-T-C.
Other names: c.1141A>G, p.Ser381Gly (NM_001424113.1, NM_001424114.1, NM_001424115.1); c.73+18719A>G (NM_001424116.1, NM_080645.3); short protein forms S381G.
Identifiers: ClinVar variation 2946104 (VCV002946104.3), dbSNP rs2533572751, ClinGen allele CA364773454.